The following is an entry in ClinVar:

NM_001440.4(EXTL3):c.2340C>T (p.Ile780=)

Gene: EXTL3 (exostosin like glycosyltransferase 3; plus strand). Cytogenetic location: 8p21.1.
Variant type: single nucleotide variant.
Coding change: c.2340C>T on transcript NM_001440.4 (MANE Select); coding-DNA position 2340, C replaced by T.
Protein change: p.Ile780=; no amino-acid change (isoleucine 780 retained).
Molecular consequence: synonymous variant. On other transcripts: non-coding transcript variant (1).
Genome position (GRCh38, 1-based): chr8:28,737,582, C>T. VCF-style: chr8-28737582-C-T. GRCh37 (hg19) VCF-style: chr8-28595099-C-T.
Identifiers: ClinVar variation 728869 (VCV000728869.12), dbSNP rs148404093, ClinGen allele CA4696412.

ClinVar aggregate classification (germline): Likely benign. Review status: criteria provided, multiple submitters, no conflicts (2 of 4 stars). 3 submissions from 3 submitters: Likely benign (2). 1 of the submissions does not count toward it. Last evaluated 2025-12-09.

Conditions:
EXTL3-related disorder. Also called: EXTL3-related condition.

Allele frequency attached by ClinVar (database versions not stated): gnomAD 0.00029 and 0.00031; gnomAD exomes 0.00030; ExAC 0.00034; TOPMed 0.00038; ESP Exome Variant Server 0.00054; 1000 Genomes Project 30x 0.00016; 1000 Genomes Project 0.00020.
gnomAD v4.1: 841 of 1,614,032 alleles (0.052%); highest among the groups gnomAD compares: Non-Finnish European, 0.068%; no homozygotes.

Submissions (3):

Labcorp Genetics (formerly Invitae), Labcorp
Classification: Likely benign. Last evaluated: 2025-12-09. Review status: criteria provided, single submitter. Criteria: Invitae Variant Classification Sherloc (09022015). Collection method: clinical testing. Allele origin: germline.

Blueprint Genetics
Classification: Likely benign. Last evaluated: 2024-11-04. Review status: criteria provided, single submitter. Criteria: ACMG Guidelines, 2015. Collection method: clinical testing. Allele origin: germline.

PreventionGenetics, part of Exact Sciences
Classification: Likely benign for EXTL3-related condition. Last evaluated: 2020-08-10. Review status: no assertion criteria provided. Collection method: clinical testing. Allele origin: germline. Not counted in ClinVar's aggregate classification.
Comment: This variant is classified as likely benign based on ACMG/AMP sequence variant interpretation guidelines (Richards et al. 2015 PMID: 25741868, with internal and published modifications).